The following is an entry in ClinVar:

NM_004482.4(GALNT3):c.1348A>G (p.Ile450Val)

Gene: GALNT3 (polypeptide N-acetylgalactosaminyltransferase 3; minus strand). Cytogenetic location: 2q24.3.
Variant type: single nucleotide variant.
Coding change: c.1348A>G on transcript NM_004482.4 (MANE Select); coding-DNA position 1348, A replaced by G.
Protein change: p.Ile450Val; replaces isoleucine 450 with valine.
Molecular consequence: missense variant.
Genome position (GRCh38, 1-based): chr2:165,757,091, T>C on the plus strand (A>G on the coding strand, the complement: GALNT3 is on the minus strand). VCF-style: chr2-165757091-T-C. GRCh37 (hg19) VCF-style: chr2-166613601-T-C.
Other names: short protein forms I450V.
Identifiers: ClinVar variation 597723 (VCV000597723.9), dbSNP rs146096050, ClinGen allele CA1940979.
Genomic context (GRCh38, chr2:165,757,091, plus strand): 5'-CTTAGCTTTAACTTACTTGTTTAACAATTTTTGCTGCATCTGTATTTCTCCTATAAAATA[T>C]TTCCTTGTATTCATCCATCCAGACTTCTGCAAGGCGAACTTGGTTTCTAGCAATCACCTG-3'
Protein context (NP_004473.2, residues 440-460): AEVWMDEYKE[Ile450Val]FYRRNTDAAK

ClinVar aggregate classification (germline): Uncertain significance. Review status: criteria provided, multiple submitters, no conflicts (2 of 4 stars). 3 submissions from 3 submitters: Uncertain significance (3). Last evaluated 2025-06-12.

Conditions:
Tumoral calcinosis, hyperphosphatemic, familial, 1. Also called: HYPEROSTOSIS-HYPERPHOSPHATEMIA SYNDROME; CORTICAL HYPEROSTOSIS WITH HYPERPHOSPHATEMIA; CALCINOSIS, TUMORAL, WITH HYPERPHOSPHATEMIA; LIPOCALCINOGRANULOMATOSIS; MORBUS TEUTSCHLAENDER; TEUTSCHLAENDER DISEASE, FAMILIAL. Identifiers: Orphanet 53715, MedGen C4692564, MONDO:0100252, OMIM 211900.

Allele frequency attached by ClinVar (database versions not stated): gnomAD exomes below 0.00001 and 0.00001; ExAC 0.00002; gnomAD 0.00004 and 0.00005; TOPMed 0.00006; ESP Exome Variant Server 0.00015; 1000 Genomes Project 30x 0.00031; 1000 Genomes Project 0.00040.
gnomAD v4.1: 13 of 1,614,064 alleles (0.00081%); highest among the groups gnomAD compares: African/African-American, 0.016%; no homozygotes.

Submissions (3):

Labcorp Genetics (formerly Invitae), Labcorp
Classification: Uncertain significance. Last evaluated: 2025-06-12. Review status: criteria provided, single submitter. Criteria: Invitae Variant Classification Sherloc (09022015). Collection method: clinical testing. Allele origin: germline.
Comment: This sequence change replaces isoleucine, which is neutral and non-polar, with valine, which is neutral and non-polar, at codon 450 of the GALNT3 protein (p.Ile450Val). This variant is present in population databases (rs146096050, gnomAD 0.01%). This variant has not been reported in the literature in individuals affected with GALNT3-related conditions. ClinVar contains an entry for this variant (Variation ID: 597723). Invitae Evidence Modeling of protein sequence and biophysical properties (such as structural, functional, and spatial information, amino acid conservation, physicochemical variation, residue mobility, and thermodynamic stability) indicates that this missense variant is not expected to disrupt GALNT3 protein function with a negative predictive value of 80%. In summary, the available evidence is currently insufficient to determine the role of this variant in disease. Therefore, it has been classified as a Variant of Uncertain Significance.

Fulgent Genetics
Classification: Uncertain significance for Tumoral calcinosis, hyperphosphatemic, familial, 1. Last evaluated: 2024-05-31. Review status: criteria provided, single submitter. Criteria: ACMG Guidelines, 2015. Collection method: clinical testing. Allele origin: germline.

Eurofins Ntd Llc (ga)
Classification: Uncertain significance. Last evaluated: 2018-06-28. Review status: criteria provided, single submitter. Criteria: EGL ClinVar v180209 classification definitions. Collection method: clinical testing. Allele origin: germline. Observed: 1 variant allele, 1 heterozygote.